The following is an entry in ClinVar:

ClinVar aggregate classification (germline): Likely pathogenic (1 of 4 stars; one submission).

Conditions:
Cardiovascular phenotype. Identifiers: MedGen CN230736.

Submission:

Ambry Genetics
Classification: Likely pathogenic for Cardiovascular phenotype. Last evaluated: 2025-09-05. Review status: criteria provided, single submitter. Criteria: Ambry Variant Classification Scheme 2023. Collection method: clinical testing. Allele origin: germline.
Comment: The c.56238_56239delAGinsT variant, located in coding exon 153 of the TTN gene, results from the deletion of two nucleotides and insertion of one nucleotide causing a translational frameshift with a predicted alternate stop codon (p.K18746Nfs*60). This exon is located in the A-band region of the N2-B isoform of the titin protein and is constitutively expressed in TTN transcripts (percent spliced in or PSI 100%). This variant was reported in individual(s) with features consistent with dilated cardiomyopathy (Ambry internal data). This variant is considered to be rare based on population cohorts in the Genome Aggregation Database (gnomAD). This variant is expected to result in loss of function by premature protein truncation or nonsense-mediated mRNA decay. While truncating variants in TTN are present in 1-3% of the general population, truncating variants in the A-band are the most common cause of dilated cardiomyopathy (Herman DS et al. N. Engl. J. Med., 2012 Feb;366:619-28; Roberts AM et al. Sci Transl Med, 2015 Jan;7:270ra6). TTN truncating variants encoded in constitutive exons (PSI >90%) have been found to be significantly associated with DCM regardless of their position in titin (Schafer S et al. Nat. Genet., 2017 01;49:46-53; Akhtar MM et al. Circ Heart Fail, 2020 Oct;13:e006832; Massier M et al. Clin Genet, 2025 Jan). Based on the majority of available evidence to date, this variant is likely to be pathogenic.

NM_001267550.2(TTN):c.83433_83434delinsT (p.Lys27811fs)

Genes: TTN (titin; minus strand), TTN-AS1 (TTN antisense RNA 1; plus strand). Cytogenetic location: 2q31.2.
Variant type: Indel.
Coding change: c.83433_83434delinsT on transcript NM_001267550.2 (MANE Select); coding-DNA positions 83433 to 83434, AG replaced by T.
Protein change: p.Lys27811fs; shifts the reading frame from lysine 27811.
Molecular consequence: frameshift variant.
Genome position (GRCh38, 1-based): chr2:178,562,698-178,562,699, CT replaced by A on the plus strand (AG replaced by T on the coding strand, the reverse complement: TTN is on the minus strand). VCF-style: chr2-178562698-CT-A. GRCh37 (hg19) VCF-style: chr2-179427425-CT-A.
Other names: c.78510_78511delinsT, p.Lys26170fs (NM_001256850.1); c.56238_56239delinsT, p.Lys18746fs (NM_003319.4); c.75729_75730delinsT, p.Lys25243fs (NM_133378.4); c.56613_56614delinsT, p.Lys18871fs (NM_133432.3); c.56814_56815delinsT, p.Lys18938fs (NM_133437.4); c.56238_56239delAGinsT (NM_003319.4); short protein forms K18871fs, K26170fs, K27811fs, K18746fs, K18938fs, K25243fs.
Identifiers: ClinVar variation 4193782 (VCV004193782.1).